The following is an entry in ClinVar:

NM_016203.4(PRKAG2):c.1095T>C (p.Ser365=)

Gene: PRKAG2 (protein kinase AMP-activated non-catalytic subunit gamma 2; minus strand). Cytogenetic location: 7q36.1.
Variant type: single nucleotide variant.
Coding change: c.1095T>C on transcript NM_016203.4 (MANE Select); coding-DNA position 1095, T replaced by C.
Protein change: p.Ser365=; no amino-acid change (serine 365 retained).
Molecular consequence: synonymous variant.
Genome position (GRCh38, 1-based): chr7:151,570,182, A>G on the plus strand (T>C on the coding strand, the complement: PRKAG2 is on the minus strand). VCF-style: chr7-151570182-A-G. GRCh37 (hg19) VCF-style: chr7-151267268-A-G.
Other names: c.963T>C, p.Ser321= (NM_001040633.2, NM_001407024.1); c.720T>C, p.Ser240= (NM_001304527.2, NM_001407029.1); c.372T>C, p.Ser124= (NM_001304531.2, NM_001407034.1, NM_001407035.1 and 1 more transcripts); c.723T>C, p.Ser241= (NM_001363698.2, NM_001407028.1); c.1095T>C, p.Ser365= (NM_001407021.1); c.1092T>C, p.Ser364= (NM_001407022.1, NM_001407023.1); c.960T>C, p.Ser320= (NM_001407026.1, NM_001407027.1); c.807T>C, p.Ser269= (NM_001407030.1); and 6 more.
Identifiers: ClinVar variation 2201878 (VCV002201878.5), dbSNP rs1403453215, ClinGen allele CA458669795.

ClinVar aggregate classification (germline): Likely benign. Review status: criteria provided, multiple submitters, no conflicts (2 of 4 stars). 2 submissions from 2 submitters: Likely benign (2). Last evaluated 2024-02-22.

Conditions:
Hypertrophic cardiomyopathy. Also called: HYPERTROPHIC MYOCARDIOPATHY. Identifiers: Orphanet 217569, MedGen C0007194, MeSH D002312, MONDO:0005045, HP:0001639.
Lethal congenital glycogen storage disease of heart. Also called: PHOSPHORYLASE KINASE DEFICIENCY OF HEART; GLYCOGEN STORAGE DISEASE OF HEART. Identifiers: Orphanet 439854, MedGen C1849813, MONDO:0009867, OMIM 261740.

Allele frequency attached by ClinVar (database versions not stated): TOPMed below 0.00001.

Submissions (2):

All of Us Research Program, National Institutes of Health
Classification: Likely benign for Hypertrophic cardiomyopathy. Last evaluated: 2024-02-22. Review status: criteria provided, single submitter. Criteria: ACMG Guidelines, 2015. Collection method: clinical testing. Allele origin: germline. Inheritance: Autosomal dominant inheritance. Observed: 1 variant allele, 1 heterozygote.
Comment: This study involves interpretation of variants in research participants for the purpose of population health screening. Participant phenotype was not available at the time of variant classification. Additional details can be found in publication PMID: 35346344, PMCID: PMC8962531

Labcorp Genetics (formerly Invitae), Labcorp
Classification: Likely benign for Lethal congenital glycogen storage disease of heart. Last evaluated: 2022-09-20. Review status: criteria provided, single submitter. Criteria: Invitae Variant Classification Sherloc (09022015). Collection method: clinical testing. Allele origin: germline.